The following is an entry in ClinVar:

ClinVar aggregate classification (germline): Conflicting classifications of pathogenicity. Review status: criteria provided, conflicting classifications (1 of 4 stars). 7 submissions from 7 submitters: Likely pathogenic (5); Uncertain significance (2). Last evaluated 2025-10-18.

Conditions:
ANKRD26-related disorder. Also called: ANKRD26-related condition.
Thrombocytopenia. Identifiers: MedGen C0040034, MeSH D013921, MONDO:0002049, HP:0001873.
Thrombocytopenia 2 (THC2). Also called: ANKRD26-Related Thrombocytopenia. Identifiers: Orphanet 268322, MedGen C1861185, MONDO:0008555, OMIM 188000.

Submissions (7):

Labcorp Genetics (formerly Invitae), Labcorp
Classification: Uncertain significance. Last evaluated: 2025-10-18. Review status: criteria provided, single submitter. Criteria: Invitae Variant Classification Sherloc (09022015). Collection method: clinical testing. Allele origin: germline.
Comment: This variant occurs in a non-coding region of the ANKRD26 gene. It does not change the encoded amino acid sequence of the ANKRD26 protein. This variant is not present in population databases (gnomAD no frequency). This variant has been observed in individual(s) with ANKRD26-related conditions and/or thrombocytopenia (PMID: 30747248, 31064749; internal data). It has also been observed to segregate with disease in related individuals. ClinVar contains an entry for this variant (Variation ID: 626940). Experimental studies and prediction algorithms are not available or were not evaluated, and the functional significance of this variant is currently unknown. In summary, the available evidence is currently insufficient to determine the role of this variant in disease. Therefore, it has been classified as a Variant of Uncertain Significance.

GeneDx
Classification: Likely pathogenic. Last evaluated: 2025-07-14. Review status: criteria provided, single submitter. Criteria: GeneDx Variant Classification Process June 2021. Collection method: clinical testing. Allele origin: germline.
Comment: Located in the 5'UTR in a region intolerant to change; Nucleotide substitution has no predicted effect on splicing and is not conserved across species; No data available from control populations to assess the frequency of this variant; This variant is associated with the following publications: (PMID: 32351539, 32618208, 31064749, 30747248, 35587581, 36651276, 24628296, 21211618, 21467542, 24430186, 25902755, 35796010)

Women's Health and Genetics/Laboratory Corporation of America, LabCorp
Classification: Uncertain significance. Last evaluated: 2025-01-14. Review status: criteria provided, single submitter. Criteria: LabCorp Variant Classification Summary - May 2015. Collection method: clinical testing. Allele origin: germline.
Comment: Variant summary: ANKRD26 c.-118C>G is located in the untranslated mRNA region upstream of the initiation codon. The variant was absent in 31404 control chromosomes. c.-118C>G has been reported in the literature in at least one heterozygous individual affected with Thrombocytopenia 2, including at least one individual with family history of the disorder (e.g. Diep_2019, Downes_2019). These data do not allow any conclusion about variant significance. To our knowledge, no experimental evidence demonstrating an impact on protein function has been reported. A different variant located at the same position (c.-118C>T) has been classified as pathogenic, supporting a critical relevance of this residue to ANKRD26 protein regulation. The following publications have been ascertained in the context of this evaluation (PMID: 30747248, 31064749). ClinVar contains an entry for this variant (Variation ID: 626940). Based on the evidence outlined above, the variant was classified as VUS-possibly pathogenic.

Blueprint Genetics
Classification: Likely pathogenic for ANKRD26-related disorders. Last evaluated: 2022-07-01. Review status: criteria provided, single submitter. Criteria: ACMG Guidelines, 2015. Collection method: clinical testing. Allele origin: germline. Affected: yes. Observed: 1 variant allele.

NIHR Bioresource Rare Diseases, University of Cambridge
Classification: Likely pathogenic for Thrombocytopenia. Last evaluated: 2019-02-01. Review status: criteria provided, single submitter. Criteria: ACMG Guidelines, 2015. Collection method: research. Allele origin: unknown. Affected: yes. Observed: 1 compound heterozygote. Study: ThromboGenomics.

Clinical Genetics Service, Universitary Hospital 12 de Octubre
Classification: Likely pathogenic for Thrombocytopenia 2. Review status: criteria provided, single submitter. Criteria: ACMG Guidelines, 2015. Collection method: clinical testing. Allele origin: germline. Affected: yes.

ISTH-SSC Genomics in Thrombosis and Hemostasis, KU Leuven, Center for Molecular and Vascular Biology
Classification: Likely pathogenic for Thrombocytopenia 2. Review status: criteria provided, single submitter. Criteria: ACMG Guidelines, 2015. Collection method: clinical testing. Allele origin: germline. Affected: yes. Observed: 2 heterozygotes. Clinical features observed: Thrombocytopenia.
Comment: Submitted to GoldVariant by Jose María Bastida and José Rivera; Grupo Español de Alteraciones Plaquetarias Congénitas (GEAPC)

Literature cited by the submitters: PubMed 30747248 (cited by Labcorp Genetics (formerly Invitae), Labcorp and Women's Health and Genetics/Laboratory Corporation of America, LabCorp); PubMed 31064749 (cited by 4 submitters); PubMed 36651276 (cited by Women's Health and Genetics/Laboratory Corporation of America, LabCorp).

NM_014915.3(ANKRD26):c.-118C>G

Gene: ANKRD26 (ankyrin repeat domain 26; minus strand). Cytogenetic location: 10p12.1.
Variant type: single nucleotide variant.
Coding change: c.-118C>G on transcript NM_014915.3 (MANE Select); 118 bases upstream of the start codon, C replaced by G.
Molecular consequence: 5 prime UTR variant.
Genome position (GRCh38, 1-based): chr10:27,100,444, G>C on the plus strand (C>G on the coding strand, the complement: ANKRD26 is on the minus strand). VCF-style: chr10-27100444-G-C. GRCh37 (hg19) VCF-style: chr10-27389373-G-C.
Other names: c.-118C>G (NM_001256053.2).
Identifiers: ClinVar variation 626940 (VCV000626940.12), dbSNP rs1589393759, ClinGen allele CA913185920.
Genomic context (GRCh38, chr10:27,100,444, plus strand): 5'-CCGGAGCCCAACATAACAAGTCAGCCCCGGCTGGCCGCAGCCTCCCAAAGGAAACTCCGC[G>C]GTTTCCAATCTCTCCCTCCGGGTTACCAAGCAAGCGATCCCGCTAGACACAAGTGCGCAT-3'